The following is an entry in ClinVar:

NM_004727.3(SLC24A1):c.982A>G (p.Met328Val)

Gene: SLC24A1 (solute carrier family 24 member 1; plus strand). Cytogenetic location: 15q22.31.
Variant type: single nucleotide variant.
Coding change: c.982A>G on transcript NM_004727.3 (MANE Select); coding-DNA position 982, A replaced by G.
Protein change: p.Met328Val; replaces methionine 328 with valine.
Molecular consequence: missense variant.
Genome position (GRCh38, 1-based): chr15:65,625,062, A>G. VCF-style: chr15-65625062-A-G. GRCh37 (hg19) VCF-style: chr15-65917400-A-G.
Other names: c.982A>G, p.Met328Val (NM_001301031.1, NM_001301032.1, NM_001301033.2); short protein forms M328V.
Identifiers: ClinVar variation 939429 (VCV000939429.8), dbSNP rs972024283, ClinGen allele CA271588261.
Genomic context (GRCh38, chr15:65,625,062, plus strand): 5'-CAGGGAACAGTCCTGTTGCATACCCCAGCCACCTCTGAGGGGCAGGTGACAATAAGCACC[A>G]TGACAGGCAGCAGCCCAGCAGAAACCAAAGCCTTCACTGCTGCCTGGAGTCTTAGGAATC-3'
Protein context (NP_004718.1, residues 318-338): TSEGQVTIST[Met328Val]TGSSPAETKA

ClinVar aggregate classification (germline): Uncertain significance. Review status: criteria provided, multiple submitters, no conflicts (2 of 4 stars). 2 submissions from 2 submitters: Uncertain significance (2). Last evaluated 2024-08-28.

Conditions:
Inborn genetic diseases. Identifiers: MedGen C0950123, MeSH D030342.

Allele frequency attached by ClinVar (database versions not stated): gnomAD exomes 0.00001; gnomAD 0.00004 and 0.00005; TOPMed 0.00011.
gnomAD v4.1: 14 of 1,613,718 alleles (0.00087%); highest among the groups gnomAD compares: Admixed American, 0.017%; no homozygotes.

Submissions (2):

Ambry Genetics
Classification: Uncertain significance for Inborn genetic diseases. Last evaluated: 2024-08-28. Review status: criteria provided, single submitter. Criteria: Ambry Variant Classification Scheme 2023. Collection method: clinical testing. Allele origin: germline.

Labcorp Genetics (formerly Invitae), Labcorp
Classification: Uncertain significance. Last evaluated: 2022-07-12. Review status: criteria provided, single submitter. Criteria: Invitae Variant Classification Sherloc (09022015). Collection method: clinical testing. Allele origin: germline.
Comment: This sequence change replaces methionine, which is neutral and non-polar, with valine, which is neutral and non-polar, at codon 328 of the SLC24A1 protein (p.Met328Val). This variant is present in population databases (no rsID available, gnomAD 0.006%). This variant has not been reported in the literature in individuals affected with SLC24A1-related conditions. ClinVar contains an entry for this variant (Variation ID: 939429). Algorithms developed to predict the effect of missense changes on protein structure and function output the following: SIFT: "Tolerated"; PolyPhen-2: "Benign"; Align-GVGD: "Class C0". The valine amino acid residue is found in multiple mammalian species, which suggests that this missense change does not adversely affect protein function. In summary, the available evidence is currently insufficient to determine the role of this variant in disease. Therefore, it has been classified as a Variant of Uncertain Significance.